The following is an entry in ClinVar:

NM_182641.4(BPTF):c.78_92dup (p.Pro31_Thr32insProProProProPro)

Gene: BPTF (bromodomain PHD finger transcription factor; plus strand). Cytogenetic location: 17q24.2.
Variant type: Duplication.
Coding change: c.78_92dup on transcript NM_182641.4 (MANE Select); coding-DNA positions 78 to 92, 15 bases duplicated (ACCGCCGCCGCCGCC).
Protein change: p.Pro31_Thr32insProProProProPro.
Molecular consequence: inframe insertion.
Genome position (GRCh38, 1-based): chr17:67,825,802-67,825,816, ACCGCCGCCGCCGCC duplicated; duplicating any 15 consecutive bases within chr17:67,825,794-67,825,816 gives the same sequence; the c. name uses the placement nearest the transcript's 3' end. VCF-style (leftmost placement, unchanged base first): chr17-67825793-C-CCCGCCGCCACCGCCG. GRCh37 (hg19) VCF-style: chr17-65821909-C-CCCGCCGCCACCGCCG.
Other names: c.78_92dup, p.Pro31_Thr32insProProProProPro (NM_001439139.1, NM_001439140.1, NM_001439141.1 and 4 more transcripts).
Identifiers: ClinVar variation 4529810 (VCV004529810.1).
Genomic context (GRCh38, chr17:67,825,793, plus strand): 5'-CCGGCGGGGCAGGCCGCCCAAGCAGCCCGCGGCTCCCGCTGCGGAGCGCTGCGCCCCGGC[C>CCCGCCGCCACCGCCG]CCGCCGCCACCGCCGCCGCCGCCCACGTCCGGACCCATCGGGGGGCTCCGCTCGCGGCAC-3'

ClinVar aggregate classification (germline): Uncertain significance (1 of 4 stars; one submission).

Submission:

GeneDx
Classification: Uncertain significance. Last evaluated: 2025-05-11. Review status: criteria provided, single submitter. Criteria: GeneDx Variant Classification Process June 2021. Collection method: clinical testing. Allele origin: germline. Affected: yes.
Comment: Not observed at significant frequency in large population cohorts (gnomAD); In-frame duplication of 5 amino acids in a repetitive region with no known function; Has not been previously published as pathogenic or benign to our knowledge; In silico analysis is inconclusive as to whether the variant alters gene splicing. In the absence of RNA/functional studies, the actual effect of this sequence change is unknown.